The following is an entry in ClinVar:

ClinVar aggregate classification (germline): Conflicting classifications of pathogenicity. Review status: criteria provided, conflicting classifications (1 of 4 stars). 6 submissions from 6 submitters: Uncertain significance (5); Likely benign (1). Last evaluated 2026-07-09.

Conditions:
Sarcotubular myopathy (LGMDR8). Also called: Limb-girdle muscular dystrophy, type 2H; MUSCULAR DYSTROPHY, LIMB-GIRDLE, AUTOSOMAL RECESSIVE 8; Autosomal recessive limb-girdle muscular dystrophy type 2H; Hutterite type of muscular dystrophy. Identifiers: Orphanet 1878, MedGen C0270968, MONDO:0009683, OMIM 254110.
Bardet-Biedl syndrome 11 (BBS11). Identifiers: Orphanet 110, MedGen C1859569, MONDO:0014439, OMIM 615988.
TRIM32-related disorder. Also called: TRIM32-related condition.
Bardet-Biedl syndrome (BBS). Identifiers: Orphanet 110, MedGen C0752166, MONDO:0015229.

Allele frequency attached by ClinVar (database versions not stated): ExAC 0.00001; gnomAD 0.00002; gnomAD exomes 0.00002; TOPMed 0.00003; ESP Exome Variant Server 0.00008.
gnomAD v4.1: 19 of 1,614,004 alleles (0.0012%); highest among the groups gnomAD compares: Admixed American, 0.005%; no homozygotes.

Submissions (6):

PreventionGenetics, part of Exact Sciences
Classification: Uncertain significance for TRIM32-related condition. Last evaluated: 2026-07-09. Review status: criteria provided, single submitter. Criteria: ACMG Guidelines, 2015. Collection method: clinical testing. Allele origin: germline.
Comment: The TRIM32 c.907G>A variant is predicted to result in the amino acid substitution p.Val303Met. To our knowledge, this variant has not been reported in association with TRIM32-related disorders. It has been detected in a neonate with severe retinopathy, that was attributed to systemic viral infection secondary to severe combined immunodeficiency (Gerth-Kahlert et al. 2018. PubMed ID: 28812413). This variant is reported in 0.0099% of alleles in individuals of Ashkenazi Jewish descent in gnomAD. At this time, the clinical significance of this variant is uncertain due to the absence of conclusive functional and genetic evidence.

Fulgent Genetics
Classification: Uncertain significance for Sarcotubular myopathy; Bardet-Biedl syndrome 11. Last evaluated: 2024-02-22. Review status: criteria provided, single submitter. Criteria: ACMG Guidelines, 2015. Collection method: clinical testing. Allele origin: germline.

Blueprint Genetics
Classification: Likely benign. Last evaluated: 2023-03-31. Review status: criteria provided, single submitter. Criteria: ACMG Guidelines, 2015. Collection method: clinical testing. Allele origin: germline.

Labcorp Genetics (formerly Invitae), Labcorp
Classification: Uncertain significance for Bardet-Biedl syndrome. Last evaluated: 2022-08-16. Review status: criteria provided, single submitter. Criteria: Invitae Variant Classification Sherloc (09022015). Collection method: clinical testing. Allele origin: germline.
Comment: This sequence change replaces valine, which is neutral and non-polar, with methionine, which is neutral and non-polar, at codon 303 of the TRIM32 protein (p.Val303Met). This variant is present in population databases (rs144532174, gnomAD 0.01%). This variant has not been reported in the literature in individuals affected with TRIM32-related conditions. ClinVar contains an entry for this variant (Variation ID: 501026). Algorithms developed to predict the effect of missense changes on protein structure and function output the following: SIFT: "Tolerated"; PolyPhen-2: "Benign"; Align-GVGD: "Class C0". The methionine amino acid residue is found in multiple mammalian species, which suggests that this missense change does not adversely affect protein function. In summary, the available evidence is currently insufficient to determine the role of this variant in disease. Therefore, it has been classified as a Variant of Uncertain Significance.

Athena Diagnostics
Classification: Uncertain significance. Last evaluated: 2022-04-18. Review status: criteria provided, single submitter. Criteria: Athena Diagnostics Criteria. Collection method: clinical testing. Allele origin: unknown.

Eurofins Ntd Llc (ga)
Classification: Uncertain significance. Last evaluated: 2017-04-06. Review status: criteria provided, single submitter. Criteria: EGL Classification Definitions 2015. Collection method: clinical testing. Allele origin: germline. Observed: 1 variant allele, 1 heterozygote.

Literature cited by the submitters: PubMed 28812413 (cited by Athena Diagnostics).

NM_012210.4(TRIM32):c.907G>A (p.Val303Met)

Genes: ASTN2 (astrotactin 2; minus strand), TRIM32 (tripartite motif containing 32; plus strand). Cytogenetic location: 9q33.1.
Variant type: single nucleotide variant.
Coding change: c.907G>A on transcript NM_012210.4 (MANE Select); coding-DNA position 907, G replaced by A.
Protein change: p.Val303Met; replaces valine 303 with methionine.
Molecular consequence: missense variant. On other transcripts: intron variant (3).
Genome position (GRCh38, 1-based): chr9:116,698,649, G>A. VCF-style: chr9-116698649-G-A. GRCh37 (hg19) VCF-style: chr9-119460928-G-A.
Other names: c.907G>A, p.Val303Met (NM_001099679.2, NM_001379048.1, NM_001379049.1 and 1 more transcripts); c.2653+27122C>T (NM_014010.5); c.2794+27122C>T (NM_001365069.1); c.2806+27122C>T (NM_001365068.1); short protein forms V303M.
Identifiers: ClinVar variation 501026 (VCV000501026.16), dbSNP rs144532174, ClinGen allele CA5211069.
Genomic context (GRCh38, chr9:116,698,649, plus strand): 5'-GTAGGTCATGTTGGCCCCCTCCAAATTGGACAAGCTGTTAAGAAGCCCCGGACAGTTAAC[G>A]TGGAAGATTCCTGGGCCATGGAGGCCACAGCGTCTGCTGCCTCTACCTCTGTTACTTTTA-3'
Protein context (NP_036342.2, residues 293-313): QAVKKPRTVN[Val303Met]EDSWAMEATA